The following is an entry in ClinVar:

NM_018027.5(FRMD4A):c.1026C>T (p.Thr342=)

Gene: FRMD4A (FERM domain containing 4A; minus strand). Cytogenetic location: 10p13.
Variant type: single nucleotide variant.
Coding change: c.1026C>T on transcript NM_018027.5 (MANE Select); coding-DNA position 1026, C replaced by T.
Protein change: p.Thr342=; no amino-acid change (threonine 342 retained).
Molecular consequence: synonymous variant.
Genome position (GRCh38, 1-based): chr10:13,693,989, G>A on the plus strand (C>T on the coding strand, the complement: FRMD4A is on the minus strand). VCF-style: chr10-13693989-G-A. GRCh37 (hg19) VCF-style: chr10-13735989-G-A.
Other names: c.1074C>T, p.Thr358= (NM_001318336.2); c.1125C>T, p.Thr375= (NM_001318337.2); c.99C>T, p.Thr33= (NM_001318338.2).
Identifiers: ClinVar variation 746283 (VCV000746283.6), dbSNP rs367808298, ClinGen allele CA5414533.

ClinVar aggregate classification (germline): Likely benign. Review status: criteria provided, multiple submitters, no conflicts (2 of 4 stars). 2 submissions from 2 submitters: Likely benign (2). Last evaluated 2026-05-01.

Allele frequency attached by ClinVar (database versions not stated): gnomAD 0.00003; TOPMed 0.00003.
gnomAD v4.1: 39 of 1,549,726 alleles (0.0025%); highest among the groups gnomAD compares: Admixed American, 0.032%; no homozygotes.

Submissions (2):

CeGaT Center for Human Genetics Tuebingen
Classification: Likely benign. Last evaluated: 2026-05-01. Review status: criteria provided, single submitter. Criteria: CeGaT Center For Human Genetics Tuebingen Variant Classification Criteria Version 2. Collection method: clinical testing. Allele origin: germline. Affected: yes. Observed: 1 variant allele.
Comment: FRMD4A: BP4, BP7

Labcorp Genetics (formerly Invitae), Labcorp
Classification: Likely benign. Last evaluated: 2019-12-31. Review status: criteria provided, single submitter. Criteria: Invitae Variant Classification Sherloc (09022015). Collection method: clinical testing. Allele origin: germline.